The following is an entry in ClinVar:

NM_003954.5(MAP3K14):c.1958G>A (p.Arg653Gln)

Gene: MAP3K14 (mitogen-activated protein kinase kinase kinase 14; minus strand). Cytogenetic location: 17q21.31.
Variant type: single nucleotide variant.
Coding change: c.1958G>A on transcript NM_003954.5 (MANE Select); coding-DNA position 1958, G replaced by A.
Protein change: p.Arg653Gln; replaces arginine 653 with glutamine.
Molecular consequence: missense variant.
Genome position (GRCh38, 1-based): chr17:45,270,427, C>T on the plus strand (G>A on the coding strand, the complement: MAP3K14 is on the minus strand). VCF-style: chr17-45270427-C-T. GRCh37 (hg19) VCF-style: chr17-43347794-C-T.
Other names: short protein forms R653Q.
Identifiers: ClinVar variation 2154698 (VCV002154698.4), dbSNP rs2044133539, ClinGen allele CA399878511.

ClinVar aggregate classification (germline): Uncertain significance (1 of 4 stars; one submission).

Conditions:
NIK deficiency. Also called: Primary immunodeficiency with multifaceted aberrant lymphoid immunity. Identifiers: Orphanet 447731, MedGen C5680065, MONDO:0018642.

Allele frequency attached by ClinVar (database versions not stated): TOPMed below 0.00001; gnomAD 0.00001; gnomAD exomes 0.00001.
gnomAD v4.1: 10 of 1,611,480 alleles (0.00062%); highest among the groups gnomAD compares: African/African-American, 0.0013%; no homozygotes.

Submission:

Labcorp Genetics (formerly Invitae), Labcorp
Classification: Uncertain significance for NIK deficiency. Last evaluated: 2022-07-08. Review status: criteria provided, single submitter. Criteria: Invitae Variant Classification Sherloc (09022015). Collection method: clinical testing. Allele origin: germline.
Comment: In summary, the available evidence is currently insufficient to determine the role of this variant in disease. Therefore, it has been classified as a Variant of Uncertain Significance. Experimental studies and prediction algorithms are not available or were not evaluated, and the functional significance of this variant is currently unknown. This variant has not been reported in the literature in individuals affected with MAP3K14-related conditions. This variant is not present in population databases (gnomAD no frequency). This sequence change replaces arginine, which is basic and polar, with glutamine, which is neutral and polar, at codon 653 of the MAP3K14 protein (p.Arg653Gln).